The following is an entry in ClinVar:

NM_020366.4(RPGRIP1):c.1430C>A (p.Thr477Asn)

Gene: RPGRIP1 (RPGR interacting protein 1; plus strand). Cytogenetic location: 14q11.2.
Variant type: single nucleotide variant.
Coding change: c.1430C>A on transcript NM_020366.4 (MANE Select); coding-DNA position 1430, C replaced by A.
Protein change: p.Thr477Asn; replaces threonine 477 with asparagine.
Molecular consequence: missense variant. On other transcripts: 5 prime UTR variant (1).
Genome position (GRCh38, 1-based): chr14:21,320,140, C>A. VCF-style: chr14-21320140-C-A. GRCh37 (hg19) VCF-style: chr14-21788299-C-A.
Other names: c.1430C>A (NM_020366.3); c.356C>A, p.Thr119Asn (NM_001377523.1, NM_001377948.1, NM_001377949.1 and 1 more transcripts); c.-143C>A (NM_001377951.1); short protein forms T119N, T477N.
Identifiers: ClinVar variation 1469442 (VCV001469442.7), dbSNP rs2139200427, ClinGen allele CA388864848.
Genomic context (GRCh38, chr14:21,320,140, plus strand): 5'-AGCTCCTCCAAAATGCAGCCACAATTTCCCAACCTCCTGACAGGCAATCTGAACCAGCCA[C>A]TCACCCAGCTGTATTGCAAGAGAACACTCAGATCGAGGTAAGAGCCTCTTTAAACAAACT-3'
Protein context (NP_065099.3, residues 467-487): QPPDRQSEPA[Thr477Asn]HPAVLQENTQ

ClinVar aggregate classification (germline): Uncertain significance. Review status: criteria provided, multiple submitters, no conflicts (2 of 4 stars). 2 submissions from 2 submitters: Uncertain significance (2). Last evaluated 2023-01-26.

Conditions:
Inborn genetic diseases. Identifiers: MedGen C0950123, MeSH D030342.
Cone-rod dystrophy 13 (CORD13). Identifiers: Orphanet 1872, MedGen C2750720, MONDO:0011987, OMIM 608194.
Leber congenital amaurosis 6 (LCA6). Identifiers: Orphanet 65, MedGen C1854260, MONDO:0013446, OMIM 613826.

Submissions (2):

Ambry Genetics
Classification: Uncertain significance for Inborn genetic diseases. Last evaluated: 2023-01-26. Review status: criteria provided, single submitter. Criteria: Ambry Variant Classification Scheme 2023. Collection method: clinical testing. Allele origin: germline.

Labcorp Genetics (formerly Invitae), Labcorp
Classification: Uncertain significance for Leber congenital amaurosis 6; Cone-rod dystrophy 13. Last evaluated: 2021-07-31. Review status: criteria provided, single submitter. Criteria: Invitae Variant Classification Sherloc (09022015). Collection method: clinical testing. Allele origin: germline.
Comment: In summary, the available evidence is currently insufficient to determine the role of this variant in disease. Therefore, it has been classified as a Variant of Uncertain Significance. Algorithms developed to predict the effect of missense changes on protein structure and function are either unavailable or do not agree on the potential impact of this missense change (SIFT: "Deleterious"; PolyPhen-2: "Benign"; Align-GVGD: "Class C0"). This variant has not been reported in the literature in individuals affected with RPGRIP1-related conditions. This variant is not present in population databases (ExAC no frequency). This sequence change replaces threonine with asparagine at codon 477 of the RPGRIP1 protein (p.Thr477Asn). The threonine residue is weakly conserved and there is a small physicochemical difference between threonine and asparagine.